The following is an entry in ClinVar:

ClinVar aggregate classification (germline): Benign/Likely benign. Review status: criteria provided, multiple submitters, no conflicts (2 of 4 stars). 9 submissions from 8 submitters: Benign (5); Likely benign (2). 2 of the submissions do not count toward it. Last evaluated 2025-12-15.

Conditions:
WFS1-Related Spectrum Disorders.
Wolfram syndrome 1 (WFS1). Identifiers: Orphanet 3463, MedGen C4551693, MONDO:0009101, OMIM 222300.
Autosomal dominant nonsyndromic hearing loss 6 (LFSNHL). Also called: DEAFNESS, AUTOSOMAL DOMINANT 6; DEAFNESS, AUTOSOMAL DOMINANT 14; DEAFNESS, AUTOSOMAL DOMINANT 38; Autosomal dominant nonsyndromic deafness 6. Identifiers: Orphanet 90635, MedGen C1833021, MONDO:0010963, OMIM 600965.

Allele frequency attached by ClinVar (database versions not stated): 1000 Genomes Project 30x 0.00031; 1000 Genomes Project 0.00040; gnomAD 0.00040 and 0.00051; TOPMed 0.00046; gnomAD exomes 0.00047 and 0.00097; ExAC 0.00199.
gnomAD v4.1: 743 of 1,591,532 alleles (0.047%); highest among the groups gnomAD compares: East Asian, 1.1%; 5 homozygotes.

Submissions (9):

Labcorp Genetics (formerly Invitae), Labcorp
Classification: Benign. Last evaluated: 2025-12-15. Review status: criteria provided, single submitter. Criteria: Invitae Variant Classification Sherloc (09022015). Collection method: clinical testing. Allele origin: germline.

Blueprint Genetics
Classification: Likely benign. Last evaluated: 2024-09-05. Review status: criteria provided, single submitter. Criteria: ACMG Guidelines, 2015. Collection method: clinical testing. Allele origin: germline.

Illumina Laboratory Services, Illumina
Classification: Benign for Autosomal dominant nonsyndromic hearing loss 6. Last evaluated: 2018-01-12. Review status: criteria provided, single submitter. Criteria: ICSL Variant Classification Criteria 13 December 2019. Collection method: clinical testing. Allele origin: germline.
Comment: This variant was observed in the ICSL laboratory as part of a predisposition screen in an ostensibly healthy population. It had not been previously curated by ICSL or reported in the Human Gene Mutation Database (HGMD: prior to June 1st, 2018), and was therefore a candidate for classification through an automated scoring system. Utilizing variant allele frequency, disease prevalence and penetrance estimates, and inheritance mode, an automated score was calculated to assess if this variant is too frequent to cause the disease. Based on the score and internal cut-off values, a variant classified as benign is not then subjected to further curation. The score for this variant resulted in a classification of benign for this disease.

Illumina Laboratory Services, Illumina
Classification: Benign for WFS1-Related Spectrum Disorders. Last evaluated: 2018-01-12. Review status: criteria provided, single submitter. Criteria: ICSL Variant Classification Criteria 13 December 2019. Collection method: clinical testing. Allele origin: germline.
Comment: the same text as in the submission from Illumina Laboratory Services, Illumina above.

GeneDx
Classification: Benign. Last evaluated: 2013-12-31. Review status: criteria provided, single submitter. Criteria: GeneDx Variant Classification (06012015). Collection method: clinical testing. Allele origin: germline. Affected: yes.
Comment: This variant is considered likely benign or benign based on one or more of the following criteria: it is a conservative change, it occurs at a poorly conserved position in the protein, it is predicted to be benign by multiple in silico algorithms, and/or has population frequency not consistent with disease.

Laboratory for Molecular Medicine, Mass General Brigham Personalized Medicine
Classification: Likely benign. Last evaluated: 2013-03-09. Review status: criteria provided, single submitter. Criteria: LMM Criteria. Collection method: clinical testing. Allele origin: germline. Observed: 1 variant allele.
Comment: Ala134Ala in exon 4 of WFS1: This variant is not expected to have clinical signi ficance because it does not alter an amino acid residue, is not located within t he splice consensus sequence, and has been identified in 1/194 Asian chromosomes (CHB) from the 1000 Genomes Project (dbSNP rs199533137).

Clinical Genomics, Uppaluri K&H Personalized Medicine Clinic
Classification: Benign for Wolfram syndrome 1. Review status: criteria provided, single submitter. Criteria: K & H Uppaluri Personalized Medicine Clinic Variant Classification & Assertion Criteria_Updated V.1. Collection method: research. Allele origin: unknown. Inheritance: Autosomal recessive inheritance.
Comment: Potent mutations in WFS1 gene are associated with Wolfram's syndrome, an autosomal recessive condition, which cause diabetes mellitus, diabetes insipidus, deafness and optic atrophy.However no sufficient evidence is found to ascertain the role of this particular variant rs199533137 in Wolfram's syndrome yet.

Clinical Genetics DNA and cytogenetics Diagnostics Lab, Erasmus MC, Erasmus Medical Center
Classification: Likely benign. Review status: no assertion criteria provided. Collection method: clinical testing. Allele origin: germline. Affected: yes. Study: VKGL Data-share Consensus. Not counted in ClinVar's aggregate classification.

Laboratory of Diagnostic Genome Analysis, Leiden University Medical Center (LUMC)
Classification: Likely benign. Review status: no assertion criteria provided. Collection method: clinical testing. Allele origin: germline. Affected: yes. Study: VKGL Data-share Consensus. Not counted in ClinVar's aggregate classification.

Literature cited by the submitters: PubMed 20738327 (cited by Clinical Genomics, Uppaluri K&H Personalized Medicine Clinic); PubMed 33879153 (cited by Clinical Genomics, Uppaluri K&H Personalized Medicine Clinic); PubMed 12955714 (cited by Clinical Genomics, Uppaluri K&H Personalized Medicine Clinic); PubMed 18060660 (cited by Clinical Genomics, Uppaluri K&H Personalized Medicine Clinic); PubMed 20301750 (cited by Clinical Genomics, Uppaluri K&H Personalized Medicine Clinic); PubMed 17603484 (cited by Clinical Genomics, Uppaluri K&H Personalized Medicine Clinic).

NM_006005.3(WFS1):c.402G>A (p.Ala134=)

Gene: WFS1 (wolframin ER transmembrane glycoprotein; plus strand). Cytogenetic location: 4p16.1.
Variant type: single nucleotide variant.
Coding change: c.402G>A on transcript NM_006005.3 (MANE Select); coding-DNA position 402, G replaced by A.
Protein change: p.Ala134=; no amino-acid change (alanine 134 retained).
Molecular consequence: synonymous variant.
Genome position (GRCh38, 1-based): chr4:6,289,073, G>A. VCF-style: chr4-6289073-G-A. GRCh37 (hg19) VCF-style: chr4-6290800-G-A.
Other names: p.A134A:GCG>GCA; c.402G>A, p.Ala134= (NM_001145853.1).
Identifiers: ClinVar variation 45458 (VCV000045458.23), dbSNP rs199533137, ClinGen allele CA282588.